The following is an entry in ClinVar:

ClinVar aggregate classification (germline): Likely pathogenic (0 of 4 stars; one submission).

Conditions:
PKD1-related disorder. Also called: PKD1-related condition.

Submission:

PreventionGenetics, part of Exact Sciences
Classification: Likely pathogenic for PKD1-related condition. Last evaluated: 2024-07-16. Review status: no assertion criteria provided. Collection method: clinical testing. Allele origin: germline.
Comment: The PKD1 c.12630delinsCGGGCCGGCTGGGGACAAGGTGTGAGCCC variant is predicted to result in a frameshift and premature protein termination (p.Glu4211Glyfs*8). To our knowledge, this variant has not been reported in the literature or in a large population database, indicating this variant is rare. Frameshift variants in PKD1 are expected to be pathogenic. This variant is interpreted as likely pathogenic.

NM_001009944.3(PKD1):c.12630delinsCGGGCCGGCTGGGGACAAGGTGTGAGCCC (p.Pro4210_Glu4211insGlyProAlaGlyAspLysValTer)

Gene: PKD1 (polycystin 1, transient receptor potential channel interacting; minus strand). Cytogenetic location: 16p13.3.
Variant type: Indel.
Coding change: c.12630delinsCGGGCCGGCTGGGGACAAGGTGTGAGCCC on transcript NM_001009944.3 (MANE Select); coding-DNA position 12630, T replaced by CGGGCCGGCTGGGGACAAGGTGTGAGCCC.
Protein change: p.Pro4210_Glu4211insGlyProAlaGlyAspLysValTer.
Molecular consequence: nonsense, inframe insertion. On other transcripts: frameshift variant (1).
Genome position (GRCh38, 1-based): chr16:2,090,009, A replaced by GGGCTCACACCTTGTCCCCAGCCGGCCCG on the plus strand (T replaced by CGGGCCGGCTGGGGACAAGGTGTGAGCCC on the coding strand, the reverse complement: PKD1 is on the minus strand). VCF-style: chr16-2090009-A-GGGCTCACACCTTGTCCCCAGCCGGCCCG. GRCh37 (hg19) VCF-style: chr16-2140010-A-GGGCTCACACCTTGTCCCCAGCCGGCCCG.
Other names: c.12627delinsCGGGCCGGCTGGGGACAAGGTGTGAGCCC, p.Pro4209_Glu4210insGlyProAlaGlyAspLysValTer (NM_000296.4); c.12630delTinsCGGGCCGGCTGGGGACAAGGTGTGAGCCC, p.Glu4211Glyfs (NM_001009944.2).
Identifiers: ClinVar variation 3344458 (VCV003344458.1).